The following is an entry in ClinVar:

ClinVar aggregate classification (germline): Uncertain significance. Review status: criteria provided, multiple submitters, no conflicts (2 of 4 stars). 3 submissions from 3 submitters: Uncertain significance (3). Last evaluated 2025-08-11.

Conditions:
Hereditary cancer-predisposing syndrome. Also called: Hereditary Cancer Syndrome; Hereditary neoplastic syndrome; Neoplastic Syndromes, Hereditary; Tumor predisposition. Identifiers: Orphanet 140162, MedGen C0027672, MeSH D009386, MONDO:0015356.
Oligodontia-cancer predisposition syndrome. Also called: TOOTH AGENESIS-COLORECTAL CANCER SYNDROME. Identifiers: Orphanet 300576, MedGen C1837750, MONDO:0012075, OMIM 608615. Disease mechanism: loss of function.

Allele frequency attached by ClinVar (database versions not stated): gnomAD 0.00001; TOPMed 0.00002.
gnomAD v4.1: 11 of 1,586,446 alleles (0.00069%); highest among the groups gnomAD compares: African/African-American, 0.0013%; no homozygotes.

Submissions (3):

Labcorp Genetics (formerly Invitae), Labcorp
Classification: Uncertain significance for Oligodontia-cancer predisposition syndrome. Last evaluated: 2025-08-11. Review status: criteria provided, single submitter. Criteria: Invitae Variant Classification Sherloc (09022015). Collection method: clinical testing. Allele origin: germline.
Comment: This sequence change replaces proline, which is neutral and non-polar, with threonine, which is neutral and polar, at codon 422 of the AXIN2 protein (p.Pro422Thr). This variant is not present in population databases (gnomAD no frequency). This variant has not been reported in the literature in individuals affected with AXIN2-related conditions. ClinVar contains an entry for this variant (Variation ID: 408775). Invitae Evidence Modeling of protein sequence and biophysical properties (such as structural, functional, and spatial information, amino acid conservation, physicochemical variation, residue mobility, and thermodynamic stability) indicates that this missense variant is not expected to disrupt AXIN2 protein function with a negative predictive value of 80%. In summary, the available evidence is currently insufficient to determine the role of this variant in disease. Therefore, it has been classified as a Variant of Uncertain Significance.

Quest Diagnostics Nichols Institute San Juan Capistrano
Classification: Uncertain significance. Last evaluated: 2024-08-26. Review status: criteria provided, single submitter. Criteria: Quest Diagnostics criteria. Collection method: clinical testing. Allele origin: unknown.
Comment: The AXIN2 c.1264C>A (p.Pro422Thr) variant has not been reported in individuals with AXIN2-related conditions in the published literature. It also has not been reported in large, multi-ethnic general populations (Genome Aggregation Database). Analysis of this variant using bioinformatics tools for the prediction of the effect of amino acid changes on protein structure and function yielded predictions that this variant is benign. Based on the available information, we are unable to determine the clinical significance of this variant.

Ambry Genetics
Classification: Uncertain significance for Hereditary cancer-predisposing syndrome. Last evaluated: 2024-08-17. Review status: criteria provided, single submitter. Criteria: Ambry Variant Classification Scheme 2023. Collection method: clinical testing. Allele origin: germline.
Comment: The p.P422T variant (also known as c.1264C>A), located in coding exon 5 of the AXIN2 gene, results from a C to A substitution at nucleotide position 1264. The proline at codon 422 is replaced by threonine, an amino acid with highly similar properties. This amino acid position is conserved. In addition, this alteration is predicted to be tolerated by in silico analysis. Since supporting evidence is limited at this time, the clinical significance of this alteration remains unclear.

NM_004655.4(AXIN2):c.1264C>A (p.Pro422Thr)

Gene: AXIN2 (axin 2; minus strand). Cytogenetic location: 17q24.1.
Variant type: single nucleotide variant.
Coding change: c.1264C>A on transcript NM_004655.4 (MANE Select); coding-DNA position 1264, C replaced by A.
Protein change: p.Pro422Thr; replaces proline 422 with threonine.
Molecular consequence: missense variant.
Genome position (GRCh38, 1-based): chr17:65,537,772, G>T on the plus strand (C>A on the coding strand, the complement: AXIN2 is on the minus strand). VCF-style: chr17-65537772-G-T. GRCh37 (hg19) VCF-style: chr17-63533890-G-T.
Other names: c.1264C>A (LRG_296t1); c.1264C>A, p.Pro422Thr (NM_001363813.1); short protein forms P422T.
Identifiers: ClinVar variation 408775 (VCV000408775.15), dbSNP rs878854718, ClinGen allele CA16615584.